The following is an entry in ClinVar:

NM_000334.4(SCN4A):c.4080G>T (p.Met1360Ile)

Genes: GH-LCR (growth hormone locus control region; plus strand), SCN4A (sodium voltage-gated channel alpha subunit 4; minus strand). Cytogenetic location: 17q23.3.
Variant type: single nucleotide variant.
Coding change: c.4080G>T on transcript NM_000334.4 (MANE Select); coding-DNA position 4080, G replaced by T.
Protein change: p.Met1360Ile; replaces methionine 1360 with isoleucine.
Molecular consequence: missense variant.
Genome position (GRCh38, 1-based): chr17:63,943,034, C>A on the plus strand (G>T on the coding strand, the complement: SCN4A is on the minus strand). VCF-style: chr17-63943034-C-A. GRCh37 (hg19) VCF-style: chr17-62020394-C-A.
Other names: short protein forms M1360I.
Identifiers: ClinVar variation 586516 (VCV000586516.5), dbSNP rs774789710, ClinGen allele CA292958296.

ClinVar aggregate classification (germline): Uncertain significance. Review status: criteria provided, multiple submitters, no conflicts (2 of 4 stars). 3 submissions from 3 submitters: Uncertain significance (3). Last evaluated 2021-09-08.

Conditions:
Hyperkalemic periodic paralysis. Also called: Familial hyperkalemic periodic paralysis; Gamstorp disease. Identifiers: Orphanet 682, MedGen C0238357, MONDO:0008224, OMIM 170500, HP:0007215.
Congenital myasthenic syndrome 16. Identifiers: Orphanet 590, MedGen C3280112, MONDO:0013620, OMIM 614198.
Hypokalemic periodic paralysis, type 1. Also called: Hypokalemic Periodic Paralysis Type 1 (AD); HypoPP. Identifiers: Orphanet 681, MedGen C3714580, MONDO:0042979, OMIM 170400.
Paramyotonia congenita of Von Eulenburg. Also called: Myotonia congenita intermittens; Von Eulenburg paramyotonia congenita; Paramyotonia Congenita; PARALYSIS PERIODICA PARAMYOTONICA; Eulenburg disease. Identifiers: Orphanet 684, MedGen C0221055, MONDO:0008195, OMIM 168300. Disease mechanism: loss of function.
Hypokalemic periodic paralysis, type 2 (HOKPP2). Identifiers: Orphanet 681, MedGen C2750061, MONDO:0013234, OMIM 613345.
Potassium-aggravated myotonia. Also called: Myotonia congenita, atypical, acetazolamide-responsive; MYOTONIA CONGENITA, ACETAZOLAMIDE-RESPONSIVE; MYOTONIA CONGENITA, ATYPICAL; SODIUM CHANNEL MUSCLE DISEASE. Identifiers: Orphanet 612, Orphanet 99734, Orphanet 99735, Orphanet 99736, MedGen C2931826, MONDO:0018959, OMIM 608390.

Submissions (3):

Fulgent Genetics
Classification: Uncertain significance for Paramyotonia congenita of Von Eulenburg; Hypokalemic periodic paralysis, type 1; Hyperkalemic periodic paralysis; Potassium-aggravated myotonia; Hypokalemic periodic paralysis, type 2; Congenital myasthenic syndrome 16. Last evaluated: 2021-09-08. Review status: criteria provided, single submitter. Criteria: ACMG Guidelines, 2015. Collection method: clinical testing. Allele origin: unknown.

GeneDx
Classification: Uncertain significance. Last evaluated: 2019-02-28. Review status: criteria provided, single submitter. Criteria: GeneDx Variant Classification Process June 2021. Collection method: clinical testing. Allele origin: germline. Affected: yes.
Comment: Not observed in large population cohorts (Lek et al., 2016); In silico analysis, which includes protein predictors and evolutionary conservation, supports a deleterious effect; Has not been previously published as pathogenic or benign to our knowledge

Athena Diagnostics
Classification: Uncertain significance. Last evaluated: 2018-03-06. Review status: criteria provided, single submitter. Criteria: Athena Diagnostics Criteria. Collection method: clinical testing. Allele origin: germline.